The following is an entry in ClinVar:

NM_007289.4(MME):c.799A>T (p.Asn267Tyr)

Gene: MME (membrane metalloendopeptidase; plus strand). Cytogenetic location: 3q25.2.
Variant type: single nucleotide variant.
Coding change: c.799A>T on transcript NM_007289.4 (MANE Select); coding-DNA position 799, A replaced by T.
Protein change: p.Asn267Tyr; replaces asparagine 267 with tyrosine.
Molecular consequence: missense variant.
Genome position (GRCh38, 1-based): chr3:155,138,180, A>T. VCF-style: chr3-155138180-A-T. GRCh37 (hg19) VCF-style: chr3-154855969-A-T.
Other names: c.799A>T, p.Asn267Tyr (NM_007288.3, NM_000902.5, NM_001354642.2 and 2 more transcripts); short protein forms N267Y.
Identifiers: ClinVar variation 3013894 (VCV003013894.3), dbSNP rs1196310418, ClinGen allele CA355129335.

ClinVar aggregate classification (germline): Uncertain significance (1 of 4 stars; one submission).

Allele frequency attached by ClinVar (database versions not stated): TOPMed below 0.00001; gnomAD exomes 0.00001.
gnomAD v4.1: 21 of 1,613,796 alleles (0.0013%); highest among the groups gnomAD compares: Non-Finnish European, 0.0017%; no homozygotes.

Submission:

Labcorp Genetics (formerly Invitae), Labcorp
Classification: Uncertain significance. Last evaluated: 2023-03-19. Review status: criteria provided, single submitter. Criteria: Invitae Variant Classification Sherloc (09022015). Collection method: clinical testing. Allele origin: germline.
Comment: In summary, the available evidence is currently insufficient to determine the role of this variant in disease. Therefore, it has been classified as a Variant of Uncertain Significance. Advanced modeling of protein sequence and biophysical properties (such as structural, functional, and spatial information, amino acid conservation, physicochemical variation, residue mobility, and thermodynamic stability) performed at Invitae indicates that this missense variant is not expected to disrupt MME protein function. This variant has not been reported in the literature in individuals affected with MME-related conditions. This variant is present in population databases (no rsID available, gnomAD 0.0009%). This sequence change replaces asparagine, which is neutral and polar, with tyrosine, which is neutral and polar, at codon 267 of the MME protein (p.Asn267Tyr).